The following is an entry in ClinVar:

ClinVar aggregate classification (germline): Uncertain significance. Review status: criteria provided, multiple submitters, no conflicts (2 of 4 stars). 2 submissions from 2 submitters: Uncertain significance (2). Last evaluated 2024-10-03.

Conditions:
MYH7-related skeletal myopathy. Also called: Myopathy, distal, 1; Laing distal myopathy; Laing early-onset distal myopathy; MYOPATHY, DISTAL, EARLY-ONSET, AUTOSOMAL DOMINANT; MYOPATHY, LATE DISTAL HEREDITARY. Identifiers: Orphanet 59135, MedGen C4552004, MONDO:0008050, OMIM 160500.
Hypertrophic cardiomyopathy. Also called: HYPERTROPHIC MYOCARDIOPATHY. Identifiers: Orphanet 217569, MedGen C0007194, MeSH D002312, MONDO:0005045, HP:0001639.

Submissions (2):

Labcorp Genetics (formerly Invitae), Labcorp
Classification: Uncertain significance for Hypertrophic cardiomyopathy. Last evaluated: 2024-10-03. Review status: criteria provided, single submitter. Criteria: Invitae Variant Classification Sherloc (09022015). Collection method: clinical testing. Allele origin: germline.
Comment: This sequence change replaces leucine, which is neutral and non-polar, with proline, which is neutral and non-polar, at codon 1467 of the MYH7 protein (p.Leu1467Pro). This variant is not present in population databases (gnomAD no frequency). This variant has not been reported in the literature in individuals affected with MYH7-related conditions. Invitae Evidence Modeling of protein sequence and biophysical properties (such as structural, functional, and spatial information, amino acid conservation, physicochemical variation, residue mobility, and thermodynamic stability) indicates that this missense variant is expected to disrupt MYH7 protein function with a positive predictive value of 95%. In summary, the available evidence is currently insufficient to determine the role of this variant in disease. Therefore, it has been classified as a Variant of Uncertain Significance.

Kariminejad - Najmabadi Pathology & Genetics Center
Classification: Uncertain significance for MYH7-related skeletal myopathy. Last evaluated: 2024-02-01. Review status: criteria provided, single submitter. Criteria: ACMG Guidelines, 2015. Collection method: clinical testing. Allele origin: germline. Inheritance: Autosomal dominant inheritance. Affected: yes.
Comment: PM2,PP3,PP2

NM_000257.4(MYH7):c.4400T>C (p.Leu1467Pro)

Genes: MHRT (myosin heavy chain associated RNA transcript; plus strand), MYH7 (myosin heavy chain 7; minus strand). Cytogenetic location: 14q11.2.
Variant type: single nucleotide variant.
Coding change: c.4400T>C on transcript NM_000257.4 (MANE Select); coding-DNA position 4400, T replaced by C.
Protein change: p.Leu1467Pro; replaces leucine 1467 with proline.
Molecular consequence: missense variant. On other transcripts: non-coding transcript variant (1).
Genome position (GRCh38, 1-based): chr14:23,417,272, A>G on the plus strand (T>C on the coding strand, the complement: MYH7 is on the minus strand). VCF-style: chr14-23417272-A-G. GRCh37 (hg19) VCF-style: chr14-23886481-A-G.
Other names: c.4400T>C, p.Leu1467Pro (NM_001407004.1); short protein forms L1467P.
Identifiers: ClinVar variation 3667720 (VCV003667720.3).